The following is an entry in ClinVar:

NM_001276345.2(TNNT2):c.63T>G (p.Val21=)

Gene: TNNT2 (troponin T2, cardiac type; minus strand). Cytogenetic location: 1q32.1.
Variant type: single nucleotide variant.
Coding change: c.63T>G on transcript NM_001276345.2 (MANE Select); coding-DNA position 63, T replaced by G.
Protein change: p.Val21=; no amino-acid change (valine 21 retained).
Molecular consequence: synonymous variant. On other transcripts: intron variant (1).
Genome position (GRCh38, 1-based): chr1:201,372,031, A>C on the plus strand (T>G on the coding strand, the complement: TNNT2 is on the minus strand). VCF-style: chr1-201372031-A-C. GRCh37 (hg19) VCF-style: chr1-201341159-A-C.
Other names: c.63T>G, p.Val21= (NM_000364.4, NM_001001430.3, NM_001001431.3 and 2 more transcripts); c.52+114T>G (NM_001001432.3).
Identifiers: ClinVar variation 43660 (VCV000043660.27), dbSNP rs397516477, ClinGen allele CA004881.

ClinVar aggregate classification (germline): Conflicting classifications of pathogenicity. Review status: criteria provided, conflicting classifications (1 of 4 stars). 11 submissions from 10 submitters: Uncertain significance (2); Benign (2); Likely benign (5). 2 of the submissions do not count toward it. Last evaluated 2025-12-29.

Conditions:
Cardiovascular phenotype. Identifiers: MedGen CN230736.
Hypertrophic cardiomyopathy 2. Also called: TNNT2-Related Familial Hypertrophic Cardiomyopathy. Identifiers: MedGen C1861864, MONDO:0007266, OMIM 115195.
Dilated cardiomyopathy 1D. Identifiers: Orphanet 154, Orphanet 54260, MedGen C1832243, MONDO:0011095, OMIM 601494.
Cardiomyopathy, familial restrictive, 3. Identifiers: Orphanet 75249, MedGen C2676271, MONDO:0012900, OMIM 612422.
Cardiomyopathy (CMYO). Also called: Cardiomyopathies. Identifiers: Orphanet 167848, MedGen C0878544, MONDO:0004994, HP:0001638. Inheritance: Various modes of inheritance.

Allele frequency attached by ClinVar (database versions not stated): gnomAD 0.00002 and 0.00003; TOPMed 0.00004; gnomAD exomes 0.00006 and 0.00009; ExAC 0.00009.
gnomAD v4.1: 93 of 1,597,574 alleles (0.0058%); highest among the groups gnomAD compares: East Asian, 0.18%; no homozygotes.

Submissions (11):

Labcorp Genetics (formerly Invitae), Labcorp
Classification: Likely benign for Cardiomyopathy, familial restrictive, 3; Hypertrophic cardiomyopathy 2; Dilated cardiomyopathy 1D. Last evaluated: 2025-12-29. Review status: criteria provided, single submitter. Criteria: Invitae Variant Classification Sherloc (09022015). Collection method: clinical testing. Allele origin: germline.

Blueprint Genetics
Classification: Likely benign. Last evaluated: 2024-02-28. Review status: criteria provided, single submitter. Criteria: ACMG Guidelines, 2015. Collection method: clinical testing. Allele origin: germline.

Ambry Genetics
Classification: Likely benign for Cardiovascular phenotype. Last evaluated: 2023-10-05. Review status: criteria provided, single submitter. Criteria: Ambry Variant Classification Scheme 2023. Collection method: clinical testing. Allele origin: germline.

Color Diagnostics, LLC DBA Color Health
Classification: Likely benign for Cardiomyopathy. Last evaluated: 2018-12-10. Review status: criteria provided, single submitter. Criteria: ACMG Guidelines, 2015. Collection method: clinical testing. Allele origin: germline.

Women's Health and Genetics/Laboratory Corporation of America, LabCorp
Classification: Benign. Last evaluated: 2018-10-29. Review status: criteria provided, single submitter. Criteria: LabCorp Variant Classification Summary - May 2015. Collection method: clinical testing. Allele origin: germline.
Comment: Variant summary: TNNT2 c.63T>G alters a non-conserved nucleotide resulting in a synonymous change. The variant allele was found at a frequency of 8.4e-05 in 273784 control chromosomes, predominantly at a frequency of 0.0011 within the East Asian subpopulation in the gnomAD database. The observed variant frequency within East Asian control individuals in the gnomAD database is approximately 6.29 fold of the estimated maximal expected allele frequency for a pathogenic variant in TNNT2 causing Cardiomyopathy phenotype (0.00018), strongly suggesting that the variant is a benign polymorphism found primarily in populations of East Asian origin. To our knowledge, no occurrence of c.63T>G in individuals affected with Cardiomyopathy and no experimental evidence demonstrating its impact on protein function have been reported. Two clinical diagnostic laboratories have submitted clinical-significance assessments for this variant to ClinVar after 2014 without evidence for independent evaluation. All laboratories classified the variant as benign/likely benign. Based on the evidence outlined above, the variant was classified as benign.

Illumina Laboratory Services, Illumina
Classification: Uncertain significance for Cardiomyopathy, familial restrictive, 3. Last evaluated: 2018-01-12. Review status: criteria provided, single submitter. Criteria: ICSL Variant Classification Criteria 13 December 2019. Collection method: clinical testing. Allele origin: germline.

Illumina Laboratory Services, Illumina
Classification: Uncertain significance for Hypertrophic cardiomyopathy 2. Last evaluated: 2018-01-12. Review status: criteria provided, single submitter. Criteria: ICSL Variant Classification Criteria 13 December 2019. Collection method: clinical testing. Allele origin: germline.

CHEO Genetics Diagnostic Laboratory, Children's Hospital of Eastern Ontario
Classification: Benign for Cardiomyopathy. Last evaluated: 2017-10-17. Review status: criteria provided, single submitter. Criteria: ACMG Guidelines, 2015. Collection method: clinical testing. Allele origin: germline. Study: Canadian Open Genetics Repository.

Laboratory for Molecular Medicine, Mass General Brigham Personalized Medicine
Classification: Likely benign. Last evaluated: 2010-07-22. Review status: criteria provided, single submitter. Criteria: LMM Criteria. Collection method: clinical testing. Allele origin: germline. Observed: 2 variant alleles.
Comment: p.Val21Val in exon 4 of TNNT2: This variant is not expected to have clinical sig nificance because it does not alter an amino acid residue and is not located wit hin the splice consensus sequence.

Clinical Genetics DNA and cytogenetics Diagnostics Lab, Erasmus MC, Erasmus Medical Center
Classification: Likely benign. Review status: no assertion criteria provided. Collection method: clinical testing. Allele origin: germline. Affected: yes. Study: VKGL Data-share Consensus. Not counted in ClinVar's aggregate classification.

Joint Genome Diagnostic Labs from Nijmegen and Maastricht, Radboudumc and MUMC+
Classification: Likely benign. Review status: no assertion criteria provided. Collection method: clinical testing. Allele origin: germline. Affected: yes. Study: VKGL Data-share Consensus. Not counted in ClinVar's aggregate classification.